The following is an entry in ClinVar:

NM_133433.4(NIPBL):c.265G>A (p.Glu89Lys)

Gene: NIPBL (NIPBL cohesin loading factor; plus strand). Cytogenetic location: 5p13.2.
Variant type: single nucleotide variant.
Coding change: c.265G>A on transcript NM_133433.4 (MANE Select); coding-DNA position 265, G replaced by A.
Protein change: p.Glu89Lys; replaces glutamic acid 89 with lysine.
Molecular consequence: missense variant.
Genome position (GRCh38, 1-based): chr5:36,958,138, G>A. VCF-style: chr5-36958138-G-A. GRCh37 (hg19) VCF-style: chr5-36958240-G-A.
Other names: c.265G>A, p.Glu89Lys (NM_015384.5); short protein forms E89K.
Identifiers: ClinVar variation 2631324 (VCV002631324.2), dbSNP rs1000583856, ClinGen allele CA117022594.

ClinVar aggregate classification (germline): Uncertain significance. Review status: criteria provided, multiple submitters, no conflicts (2 of 4 stars). 2 submissions from 2 submitters: Uncertain significance (2). Last evaluated 2024-10-20.

Conditions:
NIPBL-related disorder. Also called: NIPBL-related condition.
Inborn genetic diseases. Identifiers: MedGen C0950123, MeSH D030342.

Allele frequency attached by ClinVar (database versions not stated): TOPMed below 0.00001.

Submissions (2):

Ambry Genetics
Classification: Uncertain significance for Inborn genetic diseases. Last evaluated: 2024-10-20. Review status: criteria provided, single submitter. Criteria: Ambry Variant Classification Scheme 2023. Collection method: clinical testing. Allele origin: germline.

PreventionGenetics, part of Exact Sciences
Classification: Uncertain significance for NIPBL-related condition. Last evaluated: 2023-08-09. Review status: criteria provided, single submitter. Criteria: ACMG Guidelines, 2015. Collection method: clinical testing. Allele origin: germline.
Comment: The NIPBL c.265G>A variant is predicted to result in the amino acid substitution p.Glu89Lys. To our knowledge, this variant has not been reported in the literature or in a large population database, indicating this variant is rare. At this time, the clinical significance of this variant is uncertain due to the absence of conclusive functional and genetic evidence.